The following is an entry in ClinVar:

ClinVar aggregate classification (germline): Likely pathogenic (0 of 4 stars; one submission).

Conditions:
Glycine encephalopathy. Also called: Nonketotic hyperglycinemia; Non-ketotic hyperglycinemia. Identifiers: Orphanet 407, MedGen C0751748, MONDO:0011612, HP:0008288.

gnomAD v4.1: 1 of 1,604,952 alleles (0.000062%); highest among the groups gnomAD compares: Non-Finnish European, 0.000085%; no homozygotes.

Submission:

Juha Muilu Group; Institute for Molecular Medicine Finland (FIMM)
Classification: Likely pathogenic for Non-ketotic hyperglycinemia. Review status: no assertion criteria provided. Collection method: not provided. Allele origin: unknown.
Comment: FinDis database variant: This variant was not found or characterized by our laboratory, data were collected from public sources: see reference
ClinVar note: Converted during submission from probable-pathogenic to Likely pathogenic.

NM_000170.3(GLDC):c.2574T>G (p.Tyr858Ter)

Gene: GLDC (glycine decarboxylase; minus strand). Cytogenetic location: 9p24.1.
Variant type: single nucleotide variant.
Coding change: c.2574T>G on transcript NM_000170.3 (MANE Select); coding-DNA position 2574, T replaced by G.
Protein change: p.Tyr858Ter; replaces tyrosine 858 with a stop codon.
Molecular consequence: nonsense.
Genome position (GRCh38, 1-based): chr9:6,540,142, A>C on the plus strand (T>G on the coding strand, the complement: GLDC is on the minus strand). VCF-style: chr9-6540142-A-C. GRCh37 (hg19) VCF-style: chr9-6540142-A-C.
Other names: short protein forms Y858*.
Identifiers: ClinVar variation 56083 (VCV000056083.2), dbSNP rs386833564, ClinGen allele CA263386.